The following is an entry in ClinVar:

ClinVar aggregate classification (germline): Uncertain significance (1 of 4 stars; one submission).

Conditions:
Hypertrophic cardiomyopathy 10. Also called: MYL2-Related Familial Hypertrophic Cardiomyopathy; CARDIOMYOPATHY, HYPERTROPHIC, MID-LEFT VENTRICULAR CHAMBER TYPE, 2. Identifiers: MedGen C1834460, MONDO:0012112, OMIM 608758.

Submission:

Labcorp Genetics (formerly Invitae), Labcorp
Classification: Uncertain significance for Hypertrophic cardiomyopathy 10. Last evaluated: 2025-12-02. Review status: criteria provided, single submitter. Criteria: Invitae Variant Classification Sherloc (09022015). Collection method: clinical testing. Allele origin: germline.
Comment: This sequence change replaces arginine, which is basic and polar, with serine, which is neutral and polar, at codon 40 of the MYL2 protein (p.Arg40Ser). This variant is not present in population databases (gnomAD no frequency). This variant has not been reported in the literature in individuals affected with MYL2-related conditions. An algorithm developed to predict the effect of missense changes on protein structure and function (PolyPhen-2) suggests that this variant is likely to be disruptive. This variant disrupts the p.Arg40 amino acid residue in MYL2. Other variant(s) that disrupt this residue have been determined to be pathogenic (PMID: 24111713, 27532257; internal data). This suggests that this residue is clinically significant, and that variants that disrupt this residue are likely to be disease-causing. In summary, the available evidence is currently insufficient to determine the role of this variant in disease. Therefore, it has been classified as a Variant of Uncertain Significance.

Literature cited by the submitters: PubMed 24111713; PubMed 27532257.

NM_000432.4(MYL2):c.120G>C (p.Arg40Ser)

Gene: MYL2 (myosin light chain 2; minus strand). Cytogenetic location: 12q24.11.
Variant type: single nucleotide variant.
Coding change: c.120G>C on transcript NM_000432.4 (MANE Select); coding-DNA position 120, G replaced by C.
Protein change: p.Arg40Ser; replaces arginine 40 with serine.
Molecular consequence: missense variant. On other transcripts: intron variant (1).
Genome position (GRCh38, 1-based): chr12:110,915,764, C>G on the plus strand (G>C on the coding strand, the complement: MYL2 is on the minus strand). VCF-style: chr12-110915764-C-G. GRCh37 (hg19) VCF-style: chr12-111353568-C-G.
Other names: c.63G>C, p.Arg21Ser (NM_001406916.1); c.94-1440G>C (NM_001406745.1); short protein forms R40S, R21S.
Identifiers: ClinVar variation 4732378 (VCV004732378.1).